The following is an entry in ClinVar:

NM_000257.4(MYH7):c.1395C>A (p.Phe465Leu)

Gene: MYH7 (myosin heavy chain 7; minus strand). Cytogenetic location: 14q11.2.
Variant type: single nucleotide variant.
Coding change: c.1395C>A on transcript NM_000257.4 (MANE Select); coding-DNA position 1395, C replaced by A.
Protein change: p.Phe465Leu; replaces phenylalanine 465 with leucine.
Molecular consequence: missense variant.
Genome position (GRCh38, 1-based): chr14:23,428,967, G>T on the plus strand (C>A on the coding strand, the complement: MYH7 is on the minus strand). VCF-style: chr14-23428967-G-T. GRCh37 (hg19) VCF-style: chr14-23898176-G-T.
Other names: c.1395C>A, p.Phe465Leu (NM_001407004.1); short protein forms F465L.
Identifiers: ClinVar variation 3387352 (VCV003387352.1).

ClinVar aggregate classification (germline): Uncertain significance (1 of 4 stars; one submission).

Conditions:
Cardiomyopathy (CMYO). Also called: Cardiomyopathies. Identifiers: Orphanet 167848, MedGen C0878544, MONDO:0004994, HP:0001638. Inheritance: Various modes of inheritance.

Submission:

All of Us Research Program, National Institutes of Health
Classification: Uncertain significance for Cardiomyopathy. Last evaluated: 2024-03-05. Review status: criteria provided, single submitter. Criteria: ACMG Guidelines, 2015. Collection method: clinical testing. Allele origin: germline. Inheritance: Autosomal dominant inheritance. Observed: 1 variant allele, 1 heterozygote.
Comment: This study involves interpretation of variants in research participants for the purpose of population health screening. Participant phenotype was not available at the time of variant classification. Additional details can be found in publication PMID: 35346344, PMCID: PMC8962531